The following is an entry in ClinVar:

NC_000014.8:g.(?_55326389)_(55369420_?)dup

Genes: MIR4308 (microRNA 4308; minus strand), GCH1 (GTP cyclohydrolase 1; minus strand), LOC130055690 (ATAC-STARR-seq lymphoblastoid silent region 5774; plus strand), LOC130055691 (ATAC-STARR-seq lymphoblastoid silent region 5775; plus strand), LOC130055688 (ATAC-STARR-seq lymphoblastoid active region 8420; plus strand) and 4 more. Cytogenetic location: 14q22.2.
Variant type: Duplication.
Identifiers: ClinVar variation 663407 (VCV000663407.6).

ClinVar aggregate classification (germline): Uncertain significance (1 of 4 stars; one submission).

Conditions:
GTP cyclohydrolase I deficiency. Identifiers: MedGen C0268467, MONDO:0100184.
Dystonia 5 (DRD). Also called: Dystonia, DOPA-responsive, with or without hyperphenylalaninemia; DYSTONIA, PROGRESSIVE, WITH DIURNAL VARIATION; DYSTONIA-PARKINSONISM WITH DIURNAL FLUCTUATION; DYT-GCH1; GTP Cyclohydrolase 1-Deficient Dopa-Responsive Dystonia. Identifiers: Orphanet 98808, MedGen C1851920, MONDO:0007495, OMIM 128230.

Submission:

Labcorp Genetics (formerly Invitae), Labcorp
Classification: Uncertain significance for GTP cyclohydrolase I deficiency; Dystonia 5. Last evaluated: 2018-09-10. Review status: criteria provided, single submitter. Criteria: Invitae Variant Classification Sherloc (09022015). Collection method: clinical testing. Allele origin: germline.
Comment: In summary, the available evidence is currently insufficient to determine the role of this variant in disease. Therefore, it has been classified as a Variant of Uncertain Significance. This variant has not been reported in the literature in individuals with GCH1-related disease. This variant results in a copy number gain of the genomic region encompassing exons 1-3 of the GCH1 gene. The 5' end of this event is unknown as it extends beyond the assayed region for this gene and therefore may encompass additional genes. The 3' boundary is likely confined to intron 3 of the GCH1 gene. As the precise location of this event is unknown, it may be in tandem or it may be located elsewhere in the genome.